The following is an entry in ClinVar:

ClinVar aggregate classification (germline): Pathogenic (1 of 4 stars; one submission).

Conditions:
Developmental and epileptic encephalopathy, 9 (DEE9). Also called: Early infantile epileptic encephalopathy 9; EPILEPSY, FEMALE-RESTRICTED, WITH MENTAL RETARDATION; JUBERG-HELLMAN SYNDROME; PCDH19-Related X-Linked Female-Limited Epilepsy with Mental Retardation. Identifiers: Orphanet 101039, Orphanet 2076, MedGen C1848137, MONDO:0010246, OMIM 300088. Disease mechanism: loss of function.

Submission:

Labcorp Genetics (formerly Invitae), Labcorp
Classification: Pathogenic for Developmental and epileptic encephalopathy, 9. Last evaluated: 2020-01-18. Review status: criteria provided, single submitter. Criteria: Invitae Variant Classification Sherloc (09022015). Collection method: clinical testing. Allele origin: germline.
Comment: This sequence change creates a premature translational stop signal (p.Glu874Lysfs*10) in the PCDH19 gene. It is expected to result in an absent or disrupted protein product. This variant is not present in population databases (ExAC no frequency). This variant has not been reported in the literature in individuals with PCDH19-related conditions. Loss-of-function variants in PCDH19 are known to be pathogenic (PMID: 21053371). For these reasons, this variant has been classified as Pathogenic.

Literature cited by the submitters: PubMed 21053371.

NM_001184880.2(PCDH19):c.2619del (p.Glu874fs)

Gene: PCDH19 (protocadherin 19; minus strand). Cytogenetic location: Xq22.1.
Variant type: Deletion.
Coding change: c.2619del on transcript NM_001184880.2 (MANE Select); coding-DNA position 2619, one base deleted (T; older notation c.2619delT).
Protein change: p.Glu874fs; shifts the reading frame from glutamic acid 874.
Molecular consequence: frameshift variant.
Genome position (GRCh38, 1-based): chrX:100,350,702, A deleted on the plus strand (T on the coding strand, the reverse complement: PCDH19 is on the minus strand). VCF-style (leftmost placement, unchanged base first): chrX-100350701-CA-C. GRCh37 (hg19) VCF-style: chrX-99605699-CA-C.
Other names: c.2478del, p.Glu827fs (NM_001105243.2, NM_020766.3); short protein forms E827fs, E874fs.
Identifiers: ClinVar variation 1073896 (VCV001073896.9), dbSNP rs2147492697, ClinGen allele CA2499226248.
Genomic context (GRCh38, chrX:100,350,701, plus strand): 5'-CATACCTCTTGATTAAATGGGCTCGGCTATTCACGTAGTTGGAGTCAAAAGAATAGTTTT[CA>C]GTCTGCAATGAGAAGAAAAAATTAAAAAGGTTACACAGATGATTCATAAGTAGATTTCGA-3'